The following is an entry in ClinVar:

ClinVar aggregate classification (germline): Pathogenic/Likely pathogenic. Review status: criteria provided, multiple submitters, no conflicts (2 of 4 stars). 4 submissions from 4 submitters: Pathogenic (2); Likely pathogenic (1). 1 of the submissions does not count toward it. Last evaluated 2023-12-07.

Conditions:
Idiopathic basal ganglia calcification 1 (PFBC1A). Also called: Fahr's syndrome; Familial Idiopathic Basal Ganglia Calcification 2; Cerebral calcification nonarteriosclerotic idiopathic adult-onset; Striopallidodentate calcinosis autosomal dominant adult-onset; Ferrocalcinosis, cerebrovascular; Fahr disease, familial (formerly). Identifiers: Orphanet 1980, MedGen C4551624, MONDO:0024538, OMIM 213600.
SLC20A2-related disorder. Also called: SLC20A2-related condition.

Submissions (4):

Labcorp Genetics (formerly Invitae), Labcorp
Classification: Pathogenic. Last evaluated: 2023-12-07. Review status: criteria provided, single submitter. Criteria: Invitae Variant Classification Sherloc (09022015). Collection method: clinical testing. Allele origin: germline.
Comment: This sequence change creates a premature translational stop signal (p.Ile285Serfs*33) in the SLC20A2 gene. It is expected to result in an absent or disrupted protein product. Loss-of-function variants in SLC20A2 are known to be pathogenic (PMID: 23334463). This variant is present in population databases (rs755252506, gnomAD 0.0009%). This premature translational stop signal has been observed in individual(s) with primary basal ganglia calcification 1 (PMID: 28391956). ClinVar contains an entry for this variant (Variation ID: 1804782). For these reasons, this variant has been classified as Pathogenic.

Women's Health and Genetics/Laboratory Corporation of America, LabCorp
Classification: Likely pathogenic for Idiopathic basal ganglia calcification 1. Last evaluated: 2022-11-03. Review status: criteria provided, single submitter. Criteria: LabCorp Variant Classification Summary - May 2015. Collection method: clinical testing. Allele origin: germline.
Comment: Variant summary: SLC20A2 c.852delC (p.Ile285SerfsX33) results in a premature termination codon, predicted to cause a truncation of the encoded protein or absence of the protein due to nonsense mediated decay, which are commonly known mechanisms for disease. Truncations downstream of this position have been classified as pathogenic in ClinVar. The variant allele was found at a frequency of 4e-06 in 251468 control chromosomes (gnomAD). c.852delC has been reported in the literature in individuals affected or suspected with Idiopathic Basal Ganglia Calcification 1 (examples: Rohani_2017 and Schon_2021). These data indicate that the variant may be associated with disease. To our knowledge, no experimental evidence demonstrating an impact on protein function has been reported. No clinical diagnostic laboratories have submitted clinical-significance assessments for this variant to ClinVar after 2014. Based on the evidence outlined above, the variant was classified as likely pathogenic.

Blueprint Genetics
Classification: Pathogenic for SLC20A2-related disorders. Last evaluated: 2021-03-18. Review status: criteria provided, single submitter. Criteria: ACMG Guidelines, 2015. Collection method: clinical testing. Allele origin: germline. Affected: yes. Observed: 1 variant allele.

PreventionGenetics, part of Exact Sciences
Classification: Pathogenic for SLC20A2-related condition. Last evaluated: 2024-03-23. Review status: no assertion criteria provided. Collection method: clinical testing. Allele origin: germline. Not counted in ClinVar's aggregate classification.
Comment: The SLC20A2 c.852delC variant is predicted to result in a frameshift and premature protein termination (p.Ile285Serfs*33). This variant has been reported in an individual with primary familial brain calcification (Rohani et al. 2017. PubMed ID: 28391956). This variant was also reported in an individual with basal ganglia calcification (Srichawla et al. 2023. PubMed ID: 37663154). This variant is reported in 0.00088% of alleles in individuals of European (Non-Finnish) descent in gnomAD. Frameshift variants in SLC20A2 are expected to be pathogenic. This variant is interpreted as pathogenic.

Literature cited by the submitters: PubMed 23334463 (cited by Labcorp Genetics (formerly Invitae), Labcorp); PubMed 28391956 (cited by Labcorp Genetics (formerly Invitae), Labcorp and Women's Health and Genetics/Laboratory Corporation of America, LabCorp); PubMed 34732400 (cited by Women's Health and Genetics/Laboratory Corporation of America, LabCorp).

NM_001257180.2(SLC20A2):c.852del (p.Ile285fs)

Gene: SLC20A2 (solute carrier family 20 member 2; minus strand). Cytogenetic location: 8p11.21.
Variant type: Deletion.
Coding change: c.852del on transcript NM_001257180.2 (MANE Select); coding-DNA position 852, one base deleted (C; older notation c.852delC).
Protein change: p.Ile285fs; shifts the reading frame from isoleucine 285.
Molecular consequence: frameshift variant.
Genome position (GRCh38, 1-based): chr8:42,439,532, G deleted on the plus strand (C on the coding strand, the reverse complement: SLC20A2 is on the minus strand); the first of 2 consecutive G bases (chr8:42,439,532-42,439,533); deleting either gives the same sequence. VCF-style (leftmost placement, unchanged base first): chr8-42439531-TG-T. GRCh37 (hg19) VCF-style: chr8-42297049-TG-T.
Other names: c.852delC (NM_001257180.1); c.852del, p.Ile285fs (NM_001257181.2, NM_006749.5); short protein forms I285fs.
Identifiers: ClinVar variation 1804782 (VCV001804782.9), dbSNP rs755252506, ClinGen allele CA4733450.